The following is an entry in ClinVar:

ClinVar aggregate classification (germline): Uncertain significance (1 of 4 stars; one submission).

Conditions:
Neuropathy, hereditary sensory and autonomic, type 2A (HSAN2A). Also called: ACROOSTEOLYSIS, GIACCAI TYPE; ACROOSTEOLYSIS, NEUROGENIC; MORVAN DISEASE; NEUROPATHY, CONGENITAL SENSORY; NEUROPATHY, HEREDITARY SENSORY RADICULAR, AUTOSOMAL RECESSIVE; NEUROPATHY, HEREDITARY SENSORY, TYPE IIA. Identifiers: Orphanet 970, MedGen C2752089, MONDO:0024309, OMIM 201300.
Pseudohypoaldosteronism type 2C (PHA2C). Also called: Pseudohypoaldosteronism Type IIC. Identifiers: Orphanet 757, Orphanet 88940, MedGen C1840391, MONDO:0013778, OMIM 614492.

Submission:

Labcorp Genetics (formerly Invitae), Labcorp
Classification: Uncertain significance for Neuropathy, hereditary sensory and autonomic, type 2A; Pseudohypoaldosteronism type 2C. Last evaluated: 2021-09-05. Review status: criteria provided, single submitter. Criteria: Invitae Variant Classification Sherloc (09022015). Collection method: clinical testing. Allele origin: germline.
Comment: This sequence change creates a premature translational stop signal (p.Phe764Glyfs*9) in the WNK1 gene. However, it is currently unclear if variants that occur in this region of the gene cause disease. The frequency data for this variant in the population databases is considered unreliable, as metrics indicate insufficient coverage at this position in the ExAC database. This variant has not been reported in the literature in individuals affected with WNK1-related conditions. In summary, the available evidence is currently insufficient to determine the role of this variant in disease. Therefore, it has been classified as a Variant of Uncertain Significance.

NM_213655.5(WNK1):c.2282_2288dup (p.Phe764fs)

Gene: WNK1 (WNK lysine deficient protein kinase 1; plus strand). Cytogenetic location: 12p13.33.
Variant type: Duplication.
Coding change: c.2282_2288dup on transcript NM_213655.5 (MANE Plus Clinical); coding-DNA positions 2282 to 2288, 7 bases duplicated (AGGAAAC; older notation c.2282_2288dupAGGAAAC).
Protein change: p.Phe764fs; shifts the reading frame from phenylalanine 764.
Molecular consequence: frameshift variant. On other transcripts: intron variant (3).
Genome position (GRCh38, 1-based): chr12:865,252-865,258, AGGAAAC duplicated. VCF-style (leftmost placement, unchanged base first): chr12-865251-G-GAGGAAAC. GRCh37 (hg19) VCF-style: chr12-974417-G-GAGGAAAC.
Other names: c.2140-2614_2140-2608dup (NM_001184985.2); c.2139+2982_2139+2988dup (NM_018979.4, NM_014823.3); short protein forms F764fs.
Identifiers: ClinVar variation 1462446 (VCV001462446.6), dbSNP rs2154069245, ClinGen allele CA2573148501.
Genomic context (GRCh38, chr12:865,251, plus strand): 5'-TTCCACCCCACCGCCAGTACTGTCTGCACCTCTTTCTCCTTCCCTCCTCCGGACTGCCCC[G>GAGGAAAC]AGGAAACTTTTGCCGAAAAGCTTTCTAAAGCATTGGAGAGTGTCCTGCCTATGCACTCTG-3'